The following is an entry in ClinVar:

NM_001372044.2(SHANK3):c.4150C>T (p.Pro1384Ser)

Gene: SHANK3 (SH3 and multiple ankyrin repeat domains 3; plus strand). Cytogenetic location: 22q13.33.
Variant type: single nucleotide variant.
Coding change: c.4150C>T on transcript NM_001372044.2 (MANE Select); coding-DNA position 4150, C replaced by T.
Protein change: p.Pro1384Ser; replaces proline 1384 with serine.
Molecular consequence: missense variant.
Genome position (GRCh38, 1-based): chr22:50,721,758, C>T. VCF-style: chr22-50721758-C-T. GRCh37 (hg19) VCF-style: chr22-51160186-C-T.
Other names: c.3925C>T (NM_033517.1); short protein forms P1384S.
Identifiers: ClinVar variation 930951 (VCV000930951.3), dbSNP rs1482351235, ClinGen allele CA515263403.

ClinVar aggregate classification (germline): Uncertain significance (1 of 4 stars; one submission).

Conditions:
Phelan-McDermid syndrome. Also called: TELOMERIC 22q13 MONOSOMY SYNDROME; 22q13.3 deletion syndrome; Phelan-McDermid Syndrome-SHANK3 Related. Identifiers: Orphanet 48652, MedGen C1853490, MONDO:0011652, OMIM 606232.

Allele frequency attached by ClinVar (database versions not stated): gnomAD exomes below 0.00001.

Submission:

Centre for Mendelian Genomics, University Medical Centre Ljubljana
Classification: Uncertain significance for Phelan-McDermid syndrome. Last evaluated: 2020-03-16. Review status: criteria provided, single submitter. Criteria: ACMG Guidelines, 2015. Collection method: clinical testing. Allele origin: unknown. Affected: yes.
Comment: This variant was classified as: Uncertain significance. The available evidence on this variant's pathogenicity is insufficient or conflicting. The following ACMG criteria were applied in classifying this variant: PM2.